The following is an entry in ClinVar:

NM_181712.5(KANK4):c.1180C>G (p.Leu394Val)

Gene: KANK4 (KN motif and ankyrin repeat domains 4; minus strand). Cytogenetic location: 1p31.3.
Variant type: single nucleotide variant.
Coding change: c.1180C>G on transcript NM_181712.5 (MANE Select); coding-DNA position 1180, C replaced by G.
Protein change: p.Leu394Val; replaces leucine 394 with valine.
Molecular consequence: missense variant. On other transcripts: intron variant (1).
Genome position (GRCh38, 1-based): chr1:62,273,924, G>C on the plus strand (C>G on the coding strand, the complement: KANK4 is on the minus strand). VCF-style: chr1-62273924-G-C. GRCh37 (hg19) VCF-style: chr1-62739596-G-C.
Other names: c.17-2335C>G (NM_001320269.2); c.1180C>G (NM_181712.4); short protein forms L394V.
Identifiers: ClinVar variation 2071018 (VCV002071018.5), dbSNP rs141837110, ClinGen allele CA884430.

ClinVar aggregate classification (germline): Uncertain significance. Review status: criteria provided, multiple submitters, no conflicts (2 of 4 stars). 2 submissions from 2 submitters: Uncertain significance (2). Last evaluated 2025-07-27.

Allele frequency attached by ClinVar (database versions not stated): gnomAD exomes 0.00002; ExAC 0.00006; ESP Exome Variant Server 0.00023; gnomAD 0.00024; TOPMed 0.00039.
gnomAD v4.1: 68 of 1,614,204 alleles (0.0042%); highest among the groups gnomAD compares: African/African-American, 0.076%; no homozygotes.

Submissions (2):

Labcorp Genetics (formerly Invitae), Labcorp
Classification: Uncertain significance. Last evaluated: 2025-07-27. Review status: criteria provided, single submitter. Criteria: Invitae Variant Classification Sherloc (09022015). Collection method: clinical testing. Allele origin: germline.
Comment: This sequence change replaces leucine, which is neutral and non-polar, with valine, which is neutral and non-polar, at codon 394 of the KANK4 protein (p.Leu394Val). This variant is present in population databases (rs141837110, gnomAD 0.07%), and has an allele count higher than expected for a pathogenic variant. This variant has not been reported in the literature in individuals affected with KANK4-related conditions. ClinVar contains an entry for this variant (Variation ID: 2071018). An algorithm developed to predict the effect of missense changes on protein structure and function (PolyPhen-2) suggests that this variant is likely to be disruptive. In summary, the available evidence is currently insufficient to determine the role of this variant in disease. Therefore, it has been classified as a Variant of Uncertain Significance.

Ambry Genetics
Classification: Uncertain significance. Last evaluated: 2024-01-30. Review status: criteria provided, single submitter. Criteria: Ambry Variant Classification Scheme 2023. Collection method: clinical testing. Allele origin: germline.